The following is an entry in ClinVar:

NM_000875.5(IGF1R):c.4A>C (p.Lys2Gln)

Genes: IGF1R (insulin like growth factor 1 receptor; plus strand), IRAIN (IGF1R antisense imprinted non-protein coding RNA; minus strand). Cytogenetic location: 15q26.3.
Variant type: single nucleotide variant.
Coding change: c.4A>C on transcript NM_000875.5 (MANE Select); coding-DNA position 4, A replaced by C.
Protein change: p.Lys2Gln; replaces lysine 2 with glutamine.
Molecular consequence: missense variant. On other transcripts: non-coding transcript variant (1).
Genome position (GRCh38, 1-based): chr15:98,649,585, A>C. VCF-style: chr15-98649585-A-C. GRCh37 (hg19) VCF-style: chr15-99192814-A-C.
Other names: c.4A>C, p.Lys2Gln (NM_001291858.2); short protein forms K2Q.
Identifiers: ClinVar variation 3767787 (VCV003767787.2).
Genomic context (GRCh38, chr15:98,649,585, plus strand): 5'-CTTTTTTTTTTTTTTTTTTTTTTTTGAGAAAGGGGAATTTCATCCCAAATAAAAGGAATG[A>C]AGTCTGGCTCCGGAGGAGGGTCCCCGACCTCGCTGTGGGGGCTCCTGTTTCTCTCCGCCG-3'
Protein context (NP_000866.1, residues 1-12): M[Lys2Gln]SGSGGGSPTS

ClinVar aggregate classification (germline): Uncertain significance. Review status: criteria provided, multiple submitters, no conflicts (2 of 4 stars). 2 submissions from 2 submitters: Uncertain significance (2). Last evaluated 2025-08-15.

Conditions:
Inborn genetic diseases. Identifiers: MedGen C0950123, MeSH D030342.

gnomAD v4.1: 1 of 1,520,434 alleles (0.000066%); highest among the groups gnomAD compares: African/African-American, 0.0014%; no homozygotes.

Submissions (2):

Ambry Genetics
Classification: Uncertain significance for Inborn genetic diseases. Last evaluated: 2025-08-15. Review status: criteria provided, single submitter. Criteria: Ambry Variant Classification Scheme 2023. Collection method: clinical testing. Allele origin: germline.

GeneDx
Classification: Uncertain significance. Last evaluated: 2024-09-05. Review status: criteria provided, single submitter. Criteria: GeneDx Variant Classification Process June 2021. Collection method: clinical testing. Allele origin: germline. Affected: yes.
Comment: Not observed at significant frequency in large population cohorts (gnomAD); In silico analysis indicates that this missense variant does not alter protein structure/function; Has not been previously published as pathogenic or benign to our knowledge